The following is an entry in ClinVar:

ClinVar aggregate classification (germline): Benign (1 of 4 stars; one submission).

Submission:

GeneDx
Classification: Benign. Last evaluated: 2018-06-19. Review status: criteria provided, single submitter. Criteria: GeneDx Variant Classification (06012015). Collection method: clinical testing. Allele origin: germline. Affected: yes.
Comment: This variant is considered likely benign or benign based on one or more of the following criteria: it is a conservative change, it occurs at a poorly conserved position in the protein, it is predicted to be benign by multiple in silico algorithms, and/or has population frequency not consistent with disease.

NM_004612.4(TGFBR1):c.574+197_574+202del

Gene: TGFBR1 (transforming growth factor beta receptor 1; plus strand). Cytogenetic location: 9q22.33.
Variant type: Microsatellite.
Coding change: c.574+197_574+202del on transcript NM_004612.4 (MANE Select); bases 197 to 202 of the intron after coding-DNA position 574, 6 bases deleted (TTAACT; older notation c.574+197_574+202delTTAACT).
Molecular consequence: intron variant.
Genome position (GRCh38, 1-based): chr9:99,132,936-99,132,941, TTAACT deleted; deleting any 6 consecutive bases within chr9:99,132,930-99,132,941 gives the same sequence; the c. name uses the placement nearest the transcript's 3' end. VCF-style (leftmost placement, unchanged base first): chr9-99132929-CTTAACT-C. GRCh37 (hg19) VCF-style: chr9-101895211-CTTAACT-C.
Other names: c.586+197_586+202del (NM_001306210.2); c.343+3836_343+3841del (NM_001130916.3).
Identifiers: ClinVar variation 674568 (VCV000674568.1), dbSNP rs11466461, ClinGen allele CA196885990.